The following is an entry in ClinVar:

ClinVar aggregate classification (germline): Benign (0 of 4 stars; one submission).

Conditions:
CNTN5-related disorder. Also called: CNTN5-related condition.

Allele frequency attached by ClinVar (database versions not stated): 1000 Genomes Project 30x 0.01749; 1000 Genomes Project 0.01797; TOPMed 0.02115; ESP Exome Variant Server 0.02340; gnomAD 0.02351; ExAC 0.02808; gnomAD exomes 0.03336.
gnomAD v4.1: 52,262 of 1,612,528 alleles (3.2%); highest among the groups gnomAD compares: Middle Eastern, 5%; 1,039 homozygotes.

Submission:

PreventionGenetics, part of Exact Sciences
Classification: Benign for CNTN5-related condition. Last evaluated: 2019-03-05. Review status: no assertion criteria provided. Collection method: clinical testing. Allele origin: germline.
Comment: This variant is classified as benign based on ACMG/AMP sequence variant interpretation guidelines (Richards et al. 2015 PMID: 25741868, with internal and published modifications).

NM_014361.4(CNTN5):c.1290C>T (p.Leu430=)

Gene: CNTN5 (contactin 5; plus strand). Cytogenetic location: 11q22.1.
Variant type: single nucleotide variant.
Coding change: c.1290C>T on transcript NM_014361.4 (MANE Select); coding-DNA position 1290, C replaced by T.
Protein change: p.Leu430=; no amino-acid change (leucine 430 retained).
Molecular consequence: synonymous variant.
Genome position (GRCh38, 1-based): chr11:100,070,551, C>T. VCF-style: chr11-100070551-C-T. GRCh37 (hg19) VCF-style: chr11-99941283-C-T.
Other names: c.1290C>T, p.Leu430= (NM_001243270.2, NM_001243271.2); c.1068C>T, p.Leu356= (NM_175566.2).
Identifiers: ClinVar variation 3038423 (VCV003038423.2), dbSNP rs61749257, ClinGen allele CA6242387.